The following is an entry in ClinVar:

NC_000009.11:g.(?_131287461)_(131289814_?)del

Gene: GLE1 (GLE1 RNA export mediator; plus strand). Cytogenetic location: 9q34.11.
Variant type: Deletion.
Identifiers: ClinVar variation 1452667 (VCV001452667.7).

ClinVar aggregate classification (germline): Pathogenic (1 of 4 stars; one submission).

Submission:

Labcorp Genetics (formerly Invitae), Labcorp
Classification: Pathogenic. Last evaluated: 2022-03-21. Review status: criteria provided, single submitter. Criteria: Invitae Variant Classification Sherloc (09022015). Collection method: clinical testing. Allele origin: germline.
Comment: This variant is a gross deletion of the genomic region encompassing exon(s) 7-9 of the GLE1 gene. This deletion is out-of-frame, and is expected to create a premature termination codon and result in an absent or disrupted protein product. Loss-of-function variants in GLE1 are known to be pathogenic (PMID: 18204449, 24243016, 27684565). For these reasons, this variant has been classified as Pathogenic. This variant has not been reported in the literature in individuals affected with GLE1-related conditions.

Literature cited by the submitters: PubMed 18204449; PubMed 24243016; PubMed 27684565.